The following is an entry in ClinVar:

NM_002187.3(IL12B):c.97G>A (p.Val33Ile)

Gene: IL12B (interleukin 12B; minus strand). Cytogenetic location: 5q33.3.
Variant type: single nucleotide variant.
Coding change: c.97G>A on transcript NM_002187.3 (MANE Select); coding-DNA position 97, G replaced by A.
Protein change: p.Val33Ile; replaces valine 33 with isoleucine.
Molecular consequence: missense variant.
Genome position (GRCh38, 1-based): chr5:159,323,321, C>T on the plus strand (G>A on the coding strand, the complement: IL12B is on the minus strand). VCF-style: chr5-159323321-C-T. GRCh37 (hg19) VCF-style: chr5-158750329-C-T.
Other names: short protein forms V33I.
Identifiers: ClinVar variation 474973 (VCV000474973.39), dbSNP rs3213096, ClinGen allele CA3538882.

ClinVar aggregate classification (germline): Benign. Review status: criteria provided, multiple submitters, no conflicts (2 of 4 stars). 3 submissions from 3 submitters: Benign (3). Last evaluated 2026-04-01.

Conditions:
Mendelian susceptibility to mycobacterial diseases due to complete IL12B deficiency. Also called: IL12B DEFICIENCY; Immunodeficiency 29. Identifiers: Orphanet 319558, MedGen C4013948, MONDO:0013954, OMIM 614890.

Allele frequency attached by ClinVar (database versions not stated): 1000 Genomes Project 0.00379; TOPMed 0.00413; ESP Exome Variant Server 0.00431; 1000 Genomes Project 30x 0.00437; gnomAD 0.00441 and 0.00461; gnomAD exomes 0.00532 and 0.00633; ExAC 0.00654.

Submissions (3):

CeGaT Center for Human Genetics Tuebingen
Classification: Benign. Last evaluated: 2026-04-01. Review status: criteria provided, single submitter. Criteria: CeGaT Center For Human Genetics Tuebingen Variant Classification Criteria Version 2. Collection method: clinical testing. Allele origin: germline. Affected: yes. Observed: 4 variant alleles.
Comment: IL12B: BP4, BS1, BS2

Labcorp Genetics (formerly Invitae), Labcorp
Classification: Benign for Mendelian susceptibility to mycobacterial diseases due to complete IL12B deficiency. Last evaluated: 2026-02-01. Review status: criteria provided, single submitter. Criteria: Invitae Variant Classification Sherloc (09022015). Collection method: clinical testing. Allele origin: germline.

Illumina Laboratory Services, Illumina
Classification: Benign for Mendelian susceptibility to mycobacterial diseases due to complete IL12B deficiency. Last evaluated: 2017-04-27. Review status: criteria provided, single submitter. Criteria: ICSL Variant Classification Criteria 13 December 2019. Collection method: clinical testing. Allele origin: germline.
Comment: This variant was observed as part of a predisposition screen in an ostensibly healthy population. A literature search was performed for the gene, cDNA change, and amino acid change (where applicable). Publications were found based on this search. The evidence from the literature, in combination with allele frequency data from public databases where available, was sufficient to rule this variant out of causing disease. Therefore, this variant is classified as benign.

Literature cited by the submitters: PubMed 18449199 (cited by Illumina Laboratory Services, Illumina); PubMed 17236132 (cited by Illumina Laboratory Services, Illumina).